The following is an entry in ClinVar:

NC_000016.10:g.(?_9849736)_(9849981_?)del

Gene: GRIN2A (glutamate ionotropic receptor NMDA type subunit 2A; minus strand). Cytogenetic location: 16p13.2.
Variant type: Deletion.
Identifiers: ClinVar variation 532725 (VCV000532725.9).

ClinVar aggregate classification (germline): Pathogenic (1 of 4 stars; one submission).

Conditions:
Landau-Kleffner syndrome (FESD). Also called: EPILEPSY, FOCAL, WITH SPEECH DISORDER AND WITH OR WITHOUT MENTAL RETARDATION; APHASIA, ACQUIRED, WITH EPILEPSY. Identifiers: Orphanet 1945, Orphanet 725, Orphanet 98818, MedGen C0282512, MONDO:0009509, OMIM 245570.

Submission:

Labcorp Genetics (formerly Invitae), Labcorp
Classification: Pathogenic for Landau-Kleffner syndrome. Last evaluated: 2021-10-20. Review status: criteria provided, single submitter. Criteria: Invitae Variant Classification Sherloc (09022015). Collection method: clinical testing. Allele origin: germline.
Comment: Loss-of-function variants in GRIN2A are known to be pathogenic (PMID: 23933819, 23933820). This deletion has not been reported in the literature in individuals with GRIN2A-related disease. This variant is an out-of-frame deletion of the genomic region encompassing exon 6 of the GRIN2A gene. This is expected to create a premature translational stop signal and result in an absent or disrupted protein product. For these reasons, this variant has been classified as Pathogenic.

Literature cited by the submitters: PubMed 23933819; PubMed 23933820.